The following is an entry in ClinVar:

NM_000051.4(ATM):c.725C>T (p.Thr242Ile)

Gene: ATM (ATM serine/threonine kinase; plus strand). Cytogenetic location: 11q22.3.
Variant type: single nucleotide variant.
Coding change: c.725C>T on transcript NM_000051.4 (MANE Select); coding-DNA position 725, C replaced by T.
Protein change: p.Thr242Ile; replaces threonine 242 with isoleucine.
Molecular consequence: missense variant.
Genome position (GRCh38, 1-based): chr11:108,244,850, C>T. VCF-style: chr11-108244850-C-T. GRCh37 (hg19) VCF-style: chr11-108115577-C-T.
Other names: c.725C>T, p.Thr242Ile (NM_001351834.2); short protein forms T242I.
Identifiers: ClinVar variation 4539288 (VCV004539288.1).
Genomic context (GRCh38, chr11:108,244,850, plus strand): 5'-AAGAAAAGAGCTCTTCAGGTCTAAATCATATCTTAGCAGCTCTTACTATCTTCCTCAAGA[C>T]TTTGGCTGTCAACTTTCGAATTCGAGTGTGTGAATTAGGAGATGAAATTCTTCCCACTTT-3'
Protein context (NP_000042.3, residues 232-252): ILAALTIFLK[Thr242Ile]LAVNFRIRVC

ClinVar aggregate classification (germline): Uncertain significance (1 of 4 stars; one submission).

Submission:

Center for Genomic Medicine, Rigshospitalet, Copenhagen University Hospital
Classification: Uncertain significance. Last evaluated: 2025-12-29. Review status: criteria provided, single submitter. Criteria: ACMG Guidelines, 2015. Collection method: clinical testing. Allele origin: germline.
Comment: Classification criteria: PM2_supporting, BP4